The following is an entry in ClinVar:

ClinVar aggregate classification (germline): Uncertain significance (1 of 4 stars; one submission).

Allele frequency attached by ClinVar (database versions not stated): gnomAD exomes below 0.00001.
gnomAD v4.1: 2 of 1,613,760 alleles (0.00012%); highest among the groups gnomAD compares: Non-Finnish European, 0.00017%; no homozygotes.

Submission:

GeneDx
Classification: Uncertain significance. Last evaluated: 2023-07-07. Review status: criteria provided, single submitter. Criteria: GeneDx Variant Classification Process June 2021. Collection method: clinical testing. Allele origin: germline.
Comment: Not observed at significant frequency in large population cohorts (gnomAD); In silico analysis supports that this missense variant does not alter protein structure/function; Has not been previously published as pathogenic or benign to our knowledge

NM_001205293.3(CACNA1E):c.6070A>G (p.Ile2024Val)

Gene: CACNA1E (calcium voltage-gated channel subunit alpha1 E; plus strand). Cytogenetic location: 1q25.3.
Variant type: single nucleotide variant.
Coding change: c.6070A>G on transcript NM_001205293.3 (MANE Select); coding-DNA position 6070, A replaced by G.
Protein change: p.Ile2024Val; replaces isoleucine 2024 with valine.
Molecular consequence: missense variant.
Genome position (GRCh38, 1-based): chr1:181,794,906, A>G. VCF-style: chr1-181794906-A-G. GRCh37 (hg19) VCF-style: chr1-181764042-A-G.
Other names: c.5941A>G, p.Ile1981Val (NM_000721.4); c.5884A>G, p.Ile1962Val (NM_001205294.2); short protein forms I1962V, I1981V, I2024V.
Identifiers: ClinVar variation 1712804 (VCV001712804.3), dbSNP rs2525488830, ClinGen allele CA343632623.